The following is an entry in ClinVar:

ClinVar aggregate classification (germline): Uncertain significance (1 of 4 stars; one submission).

Conditions:
Renal cell carcinoma. Identifiers: Orphanet 217071, MedGen C0007134, MeSH D002292, MONDO:0005086, HP:0005584.

Allele frequency attached by ClinVar (database versions not stated): gnomAD exomes below 0.00001.

Submission:

Labcorp Genetics (formerly Invitae), Labcorp
Classification: Uncertain significance for Renal cell carcinoma. Last evaluated: 2023-01-12. Review status: criteria provided, single submitter. Criteria: Invitae Variant Classification Sherloc (09022015). Collection method: clinical testing. Allele origin: germline.
Comment: This sequence change replaces methionine, which is neutral and non-polar, with isoleucine, which is neutral and non-polar, at codon 1247 of the MET protein (p.Met1247Ile). In summary, the available evidence is currently insufficient to determine the role of this variant in disease. Therefore, it has been classified as a Variant of Uncertain Significance. Advanced modeling of protein sequence and biophysical properties (such as structural, functional, and spatial information, amino acid conservation, physicochemical variation, residue mobility, and thermodynamic stability) performed at Invitae indicates that this missense variant is not expected to disrupt MET protein function. This variant has not been reported in the literature in individuals affected with MET-related conditions. This variant is not present in population databases (gnomAD no frequency).

NM_000245.4(MET):c.3687G>A (p.Met1229Ile)

Gene: MET (MET proto-oncogene, receptor tyrosine kinase; plus strand). Cytogenetic location: 7q31.2.
Variant type: single nucleotide variant.
Coding change: c.3687G>A on transcript NM_000245.4 (MANE Select); coding-DNA position 3687, G replaced by A.
Protein change: p.Met1229Ile; replaces methionine 1229 with isoleucine.
Molecular consequence: missense variant.
Genome position (GRCh38, 1-based): chr7:116,783,358, G>A. VCF-style: chr7-116783358-G-A. GRCh37 (hg19) VCF-style: chr7-116423412-G-A.
Other names: c.3741G>A, p.Met1247Ile (NM_001127500.3); c.2397G>A, p.Met799Ile (NM_001324402.2); short protein forms M1229I, M1247I, M799I.
Identifiers: ClinVar variation 2888966 (VCV002888966.3), dbSNP rs1795208410, ClinGen allele CA368991591.